The following is an entry in ClinVar:

ClinVar aggregate classification (germline): Likely pathogenic. Review status: reviewed by expert panel (3 of 4 stars). 4 submissions from 4 submitters: Likely pathogenic (1). 3 of the submissions do not count toward it. Last evaluated 2026-01-25.

Conditions:
RPGR-related disorder. Also called: RPGR-related condition.
RPGR-related retinopathy. Also called: RPGR retinopathy. Identifiers: MedGen CN305589, MONDO:0100437.
Primary ciliary dyskinesia. Also called: Ciliary dyskinesia. Identifiers: Orphanet 244, MedGen C0008780, MONDO:0016575, HP:0012265.

Submissions (4):

ClinGen X-linked Inherited Retinal Disease Variant Curation Expert Panel, ClinGen
Classification: Likely pathogenic for RPGR-related retinopathy. Last evaluated: 2026-01-25. Review status: reviewed by expert panel. Criteria: ClinGen X LinkedIRD ACMG Specifications RPGR V1.0.0. Collection method: curation. Allele origin: germline. Inheritance: X-linked inheritance.
Comment: NM_001034853.2(RPGR):c.1573-8A>G is a non-coding variant in intron 13 that is located outside the +/- 1,2 dinucleotide but is part of the same splice acceptor motif and has the same predicted impact on splice acceptor loss as another variant, NM_001034853.2(RPGR):c.1573-1G>A, that was previously classified as pathogenic by the X-linked IRD VCEP (PS1_Moderate). The splicing impact predictor SpliceAI gives delta scores of 0.81 for acceptor loss, 0.65 for acceptor gain, and 0.28 for donor loss, which are above the ClinGen X-linked IRD VCEP recommended threshold of ≥0.2 and predict a damaging impact on splicing (PP3). This variant is absent from hemizygous individuals in gnomAD v4.1.0 (PM2_Supporting). This variant has been reported in at least 1 proband meeting one of the PS4 requirements of a male with some functional vision impairment by age 30 years and/or decreased or absent electroretinogram responses, or a female with functional visual abnormality and documentation of a male relative affected with retinitis pigmentosa, as well as a second apparently unrelated proband previously used for the PP4 code (PMID: 21857984, PMID: 9222238, PS4_Supporting). The proband phenotype included family history consistent with X-linked inheritance, including no male-to-male transmission (2 pts), first/second decade onset (1 pts), rod involvement relatively greater than cone involvement (1 pt), and myopia (0.5 pts), which together are specific for RPGR-related retinopathy (4.5 points, PMID: 9222238, PP4). The variant has been reported to segregate with retinal dystrophy through at least 3 affected meioses from 1 family. (PP1_Moderate; PMID: 9222238). In summary, this variant is classified as likely pathogenic for RPGR-related retinopathy based on the ClinGen X-linked Inherited Retinal Disease Expert Panel Specifications to the ACMG/AMP Variant Interpretation Guidelines for RPGR Version 1.0.0; PM2_Supporting, PS1_Moderate, PP3, PP4, PP1_Moderate, and PS4_Supporting.

Labcorp Genetics (formerly Invitae), Labcorp
Classification: Likely pathogenic for Primary ciliary dyskinesia. Last evaluated: 2022-09-09. Review status: criteria provided, single submitter. Criteria: Invitae Variant Classification Sherloc (09022015). Collection method: clinical testing. Allele origin: germline. Not counted in ClinVar's aggregate classification.
Comment: This variant has been observed in individuals with retinitis pigmentosa (PMID: 9326322, 23372056). In summary, the currently available evidence indicates that the variant is pathogenic, but additional data are needed to prove that conclusively. Therefore, this variant has been classified as Likely Pathogenic. Studies have shown that this variant results in activation of a cryptic splice site and introduces a premature termination codon (PMID: 9326322). The resulting mRNA is expected to undergo nonsense-mediated decay. ClinVar contains an entry for this variant (Variation ID: 98750). This variant is also known as IVS13-8A>G. This variant is not present in population databases (gnomAD no frequency). This sequence change falls in intron 13 of the RPGR gene. It does not directly change the encoded amino acid sequence of the RPGR protein. RNA analysis indicates that this variant induces altered splicing and may result in an absent or disrupted protein product.

Blueprint Genetics
Classification: Pathogenic for RPGR-related disorders. Last evaluated: 2022-05-03. Review status: criteria provided, single submitter. Criteria: ACMG Guidelines, 2015. Collection method: clinical testing. Allele origin: germline. Affected: yes. Observed: 4 variant alleles. Not counted in ClinVar's aggregate classification.

Retina International
No classification provided. Review status: no classification provided. Collection method: not provided. Allele origin: not provided. Not counted in ClinVar's aggregate classification.

Literature cited by the submitters: PubMed 9326322 (cited by Labcorp Genetics (formerly Invitae), Labcorp); PubMed 23372056 (cited by Labcorp Genetics (formerly Invitae), Labcorp).

NM_001034853.2(RPGR):c.1573-8A>G

Gene: RPGR (retinitis pigmentosa GTPase regulator; minus strand). Cytogenetic location: Xp11.4.
Variant type: single nucleotide variant.
Coding change: c.1573-8A>G on transcript NM_001034853.2 (MANE Select); 8 bases into the intron before coding-DNA position 1573, A replaced by G.
Molecular consequence: intron variant.
Genome position (GRCh38, 1-based): chrX:38,288,049, T>C on the plus strand (A>G on the coding strand, the complement: RPGR is on the minus strand). VCF-style: chrX-38288049-T-C. GRCh37 (hg19) VCF-style: chrX-38147302-T-C.
Other names: c.1569+2910A>G (NM_001367249.1, NM_001367250.1); c.1570-8A>G (NM_001367245.1); c.1386+2910A>G (NM_001367251.1); c.1387-8A>G (NM_001367246.1); c.1572+2910A>G (NM_001367247.1); c.1573-8A>G (NM_000328.3); c.1602+2910A>G (NM_001367248.1).
Identifiers: ClinVar variation 98750 (VCV000098750.8), dbSNP rs62635011, ClinGen allele CA226372.